The following is an entry in ClinVar:

ClinVar aggregate classification (germline): Pathogenic. Review status: criteria provided, multiple submitters, no conflicts (2 of 4 stars). 2 submissions from 2 submitters: Pathogenic (2). Last evaluated 2023-05-05.

Conditions:
Familial adenomatous polyposis 1 (FAP1). Also called: POLYPOSIS, ADENOMATOUS INTESTINAL; FAMILIAL ADENOMATOUS POLYPOSIS 1, ATTENUATED. Identifiers: MedGen C2713442, MONDO:0021056, OMIM 175100. Disease mechanism: loss of function.

Submissions (2):

Myriad Genetics, Inc.
Classification: Pathogenic for Familial adenomatous polyposis 1. Last evaluated: 2023-05-05. Review status: criteria provided, single submitter. Criteria: Myriad Autosomal Dominant, Autosomal Recessive and X-Linked Classification Criteria (2023). Collection method: clinical testing. Allele origin: unknown.
Comment: This variant is considered pathogenic. This variant creates a frameshift predicted to result in premature protein truncation.

Labcorp Genetics (formerly Invitae), Labcorp
Classification: Pathogenic for Familial adenomatous polyposis 1. Last evaluated: 2022-03-02. Review status: criteria provided, single submitter. Criteria: Invitae Variant Classification Sherloc (09022015). Collection method: clinical testing. Allele origin: germline.
Comment: This variant has not been reported in the literature in individuals affected with APC-related conditions. A different truncation (p.Tyr2645Lysfs*14) that lies downstream of this variant has been determined to be pathogenic (PMID: 9824584, 1316610, 27081525, 8381579, 22135120, Invitae). This suggests that deletion of this region of the APC protein is causative of disease. For these reasons, this variant has been classified as Pathogenic. This variant is expected to disrupt the EB1 and HDLG binding sites, which mediate interactions with the cytoskeleton (PMID: 15311282, 17293347). While functional studies have not been performed to directly test the effect on APC protein function, this suggests that disruption of the C-terminal portion of the protein is functionally important. This sequence change creates a premature translational stop signal (p.Leu922Profs*34) in the APC gene. While this is not anticipated to result in nonsense mediated decay, it is expected to disrupt the last 1922 amino acid(s) of the APC protein. This variant is not present in population databases (gnomAD no frequency).

Literature cited by the submitters: PubMed 9824584 (cited by Labcorp Genetics (formerly Invitae), Labcorp); PubMed 1316610 (cited by Labcorp Genetics (formerly Invitae), Labcorp); PubMed 27081525 (cited by Labcorp Genetics (formerly Invitae), Labcorp); PubMed 8381579 (cited by Labcorp Genetics (formerly Invitae), Labcorp); PubMed 22135120 (cited by Labcorp Genetics (formerly Invitae), Labcorp); PubMed 15311282 (cited by Labcorp Genetics (formerly Invitae), Labcorp); PubMed 17293347 (cited by Labcorp Genetics (formerly Invitae), Labcorp).

NM_000038.6(APC):c.2764_2765insCT (p.Leu922fs)

Gene: APC (APC regulator of Wnt signaling pathway; plus strand). Cytogenetic location: 5q22.2.
Variant type: Insertion.
Coding change: c.2764_2765insCT on transcript NM_000038.6 (MANE Select); coding-DNA positions 2764 to 2765, CT inserted.
Protein change: p.Leu922fs; shifts the reading frame from leucine 922.
Molecular consequence: frameshift variant.
Genome position: GRCh38 VCF-style: chr5-112838358-C-CCT. GRCh37 (hg19) VCF-style: chr5-112174055-C-CCT.
Other names: c.2764_2765insCT, p.Leu922fs (NM_001127510.3, NM_001354895.2); c.2710_2711insCT, p.Leu904fs (NM_001127511.3); c.2818_2819insCT, p.Leu940fs (NM_001354896.2); c.2794_2795insCT, p.Leu932fs (NM_001354897.2); c.2689_2690insCT, p.Leu897fs (NM_001354898.2); c.2680_2681insCT, p.Leu894fs (NM_001354899.2); c.2641_2642insCT, p.Leu881fs (NM_001354900.2); c.2587_2588insCT, p.Leu863fs (NM_001354901.2); and 16 more; short protein forms L796fs, L831fs, L904fs, L762fs, L932fs, L897fs, L639fs, L894fs.
Identifiers: ClinVar variation 2105735 (VCV002105735.6), dbSNP rs2533447712, ClinGen allele CA2580072792.
Genomic context (GRCh38, chr5:112,838,358, plus strand): 5'-GAAGACAGAAGTTCTGGGTCTACCACTGAATTACATTGTGTGACAGATGAGAGAAATGCA[C>CCT]TTAGAAGAAGCTCTGCTGCCCATACACATTCAAACACTTACAATTTCACTAAGTCGGAAA-3'